The following is an entry in ClinVar:

ClinVar aggregate classification (germline): Uncertain significance (1 of 4 stars; one submission).

Allele frequency attached by ClinVar (database versions not stated): TOPMed below 0.00001; gnomAD 0.00001; gnomAD exomes 0.00002.
gnomAD v4.1: 32 of 1,614,114 alleles (0.002%); highest among the groups gnomAD compares: Non-Finnish European, 0.0025%; 1 homozygote.

Submission:

Ambry Genetics
Classification: Uncertain significance. Last evaluated: 2023-11-30. Review status: criteria provided, single submitter. Criteria: Ambry Variant Classification Scheme 2023. Collection method: clinical testing. Allele origin: germline.
Comment: The p.T1290A variant (also known as c.3868A>G), located in coding exon 30 of the A2ML1 gene, results from an A to G substitution at nucleotide position 3868. The threonine at codon 1290 is replaced by alanine, an amino acid with similar properties. This amino acid position is conserved. In addition, this alteration is predicted to be tolerated by in silico analysis. Since supporting evidence is limited at this time, the clinical significance of this alteration remains unclear.

NM_144670.6(A2ML1):c.3868A>G (p.Thr1290Ala)

Gene: A2ML1 (alpha-2-macroglobulin like 1; plus strand). Cytogenetic location: 12p13.31.
Variant type: single nucleotide variant.
Coding change: c.3868A>G on transcript NM_144670.6 (MANE Select); coding-DNA position 3868, A replaced by G.
Protein change: p.Thr1290Ala; replaces threonine 1290 with alanine.
Molecular consequence: missense variant.
Genome position (GRCh38, 1-based): chr12:8,867,992, A>G. VCF-style: chr12-8867992-A-G. GRCh37 (hg19) VCF-style: chr12-9020588-A-G.
Other names: c.2395A>G, p.Thr799Ala (NM_001282424.3); short protein forms T1290A, T799A.
Identifiers: ClinVar variation 3229209 (VCV003229209.1), dbSNP rs1354086443, ClinGen allele CA383844204.